The following is an entry in ClinVar:

ClinVar aggregate classification (germline): Pathogenic/Likely pathogenic. Review status: criteria provided, multiple submitters, no conflicts (2 of 4 stars). 13 submissions from 13 submitters: Pathogenic (8); Likely pathogenic (2). 3 of the submissions do not count toward it. Last evaluated 2025-09-03.

Conditions:
Mucopolysaccharidosis, MPS-III-A (MPS3A). Also called: SANFILIPPO SYNDROME A; SULFAMIDASE DEFICIENCY; MPS III A; MUCOPOLYSACCHARIDOSIS, TYPE IIIA, ATTENUATED; Mucopolysaccharidosis type IIIA (Sanfilippo A); MPS IIIA (Sanfilippo Syndrome Type A). Identifiers: Orphanet 581, Orphanet 79269, MedGen C0086647, MONDO:0009655, OMIM 252900.
Abnormality of metabolism/homeostasis. Identifiers: MedGen C4021768, HP:0001939.

Allele frequency attached by ClinVar (database versions not stated): ExAC 0.00002; TOPMed 0.00001; gnomAD exomes 0.00002.
gnomAD v4.1: 24 of 1,611,972 alleles (0.0015%); highest among the groups gnomAD compares: South Asian, 0.018%; no homozygotes.

Submissions (13):

Natera, Inc.
Classification: Pathogenic for Mucopolysaccharidosis type IIIA. Last evaluated: 2025-09-03. Review status: criteria provided, single submitter. Criteria: Natera Variant Classification Schema (03/2026). Collection method: clinical testing. Allele origin: germline.
Comment: The c.364G>A variant in SGSH is a missense variant predicted to cause substitution of glycine to arginine at amino acid 122. This variant is rare in the general population with a frequency below the threshold expected for the associated phenotype(s). This variant has been observed in one or more individuals affected with the associated recessive disease, as either homozygous or compound heterozygous with a second variant (PMID: 22976768, 30809705, 38374194). Computational prediction algorithms indicate this variant is likely to affect gene or protein function. Given the available evidence, this variant is classified as Pathogenic.

Labcorp Genetics (formerly Invitae), Labcorp
Classification: Pathogenic for Mucopolysaccharidosis, MPS-III-A. Last evaluated: 2025-06-20. Review status: criteria provided, single submitter. Criteria: Invitae Variant Classification Sherloc (09022015). Collection method: clinical testing. Allele origin: germline.
Comment: This sequence change replaces glycine, which is neutral and non-polar, with arginine, which is basic and polar, at codon 122 of the SGSH protein (p.Gly122Arg). This variant is present in population databases (rs761607612, gnomAD 0.01%). This missense change has been observed in individuals with mucopolysaccharidosis (PMID: 9401012, 9554748, 11182930, 21061399, 22976768, 27590925; internal data). ClinVar contains an entry for this variant (Variation ID: 518269). Invitae Evidence Modeling of protein sequence and biophysical properties (such as structural, functional, and spatial information, amino acid conservation, physicochemical variation, residue mobility, and thermodynamic stability) indicates that this missense variant is expected to disrupt SGSH protein function with a positive predictive value of 95%. Experimental studies have shown that this missense change affects SGSH function (PMID: 10727844). This variant disrupts the p.Arg122 amino acid residue in SGSH. Other variant(s) that disrupt this residue have been observed in individuals with SGSH-related conditions (PMID: 24875751), which suggests that this may be a clinically significant amino acid residue. For these reasons, this variant has been classified as Pathogenic.

Victorian Clinical Genetics Services, Murdoch Childrens Research Institute
Classification: Pathogenic for Mucopolysaccharidosis, MPS-III-A. Last evaluated: 2025-05-26. Review status: criteria provided, single submitter. Criteria: ACMG Guidelines, 2015. Collection method: clinical testing. Allele origin: germline. Affected: no.
Comment: This variant is classified as Pathogenic. Evidence in support of pathogenic classification: Variant is present in gnomAD <0.01 for a recessive condition (v4: 24 heterozygote(s), 0 homozygote(s)); This variant has strong previous evidence of pathogenicity in unrelated individuals. This variant has been classified as pathogenic and likely pathogenic by multiple clinical laboratories (ClinVar). In addition, it has been reported in homozygous and compound heterozygous individuals affected with mucopolysaccharidosis type IIIA (PMIDs: 9401012, 27590925); Missense variant predicted to be damaging by in silico tool(s) or highly conserved with a major amino acid change. Additional information: Variant is predicted to result in a missense amino acid change from glycine to arginine; This variant is heterozygous; This gene is associated with autosomal recessive disease; Alternative amino acid change(s) at the same position are present in gnomAD (Highest allele count: v4: 1 heterozygote(s), 0 homozygote(s)); Variant is located in the annotated sulfatase domain (DECIPHER); Loss of function is a known mechanism of disease in this gene and is associated with mucopolysaccharidosis type IIIA (Sanfilippo A; MIM#252900).

Mayo Clinic Laboratories, Mayo Clinic
Classification: Pathogenic. Last evaluated: 2023-11-27. Review status: criteria provided, single submitter. Criteria: ACMG Guidelines, 2015. Collection method: clinical testing. Allele origin: germline. Observed: 1 variant allele.
Comment: PP1, PP3, PP4, PM2_moderate, PM3_strong, PS3, PS4_moderate

Genome-Nilou Lab
Classification: Likely pathogenic for Mucopolysaccharidosis, MPS-III-A. Last evaluated: 2021-11-07. Review status: criteria provided, single submitter. Criteria: ACMG Guidelines, 2015. Collection method: clinical testing. Allele origin: germline. Affected: no.

GeneDx
Classification: Pathogenic. Last evaluated: 2021-08-05. Review status: criteria provided, single submitter. Criteria: GeneDx Variant Classification Process June 2021. Collection method: clinical testing. Allele origin: germline. Affected: yes.
Comment: Published functional studies demonstrate a damaging effect on enzyme activity (Esposito et al., 2000); In silico analysis, which includes protein predictors and evolutionary conservation, supports a deleterious effect; Not observed at significant frequency in large population cohorts (Lek et al., 2016); This variant is associated with the following publications: (PMID: 9401012, 9554748, 11182930, 11668611, 21204211, 22002444, 24875751, 30809705, 10727844, 22976768, 27590925, 21061399, 25557439, 25807448, 24816101)

Kariminejad - Najmabadi Pathology & Genetics Center
Classification: Pathogenic for Abnormality of metabolism/homeostasis. Last evaluated: 2021-07-10. Review status: criteria provided, single submitter. Criteria: ACMG Guidelines, 2015. Collection method: clinical testing. Allele origin: germline. Affected: yes.

Centre for Inherited Metabolic Diseases, Karolinska University Hospital
Classification: Pathogenic for Mucopolysaccharidosis, MPS-III-A. Last evaluated: 2021-03-25. Review status: criteria provided, single submitter. Criteria: ACMG Guidelines, 2015. Collection method: clinical testing. Allele origin: germline. Inheritance: Autosomal recessive inheritance. Affected: yes. Observed: 1 homozygote.

Laboratory of Diagnosis and Therapy of Lysosomal Disorders, University of Padova
Classification: Likely pathogenic for Mucopolysaccharidosis, MPS-III-A. Last evaluated: 2019-01-01. Review status: criteria provided, single submitter. Criteria: ACMG Guidelines, 2015. Collection method: literature only. Allele origin: germline. Affected: yes.
Comment: PS3: Low in vitro enzymatic activity. PM2: Very low frequency in ExAc

Clinical Genetics DNA and cytogenetics Diagnostics Lab, Erasmus MC, Erasmus Medical Center
Classification: Pathogenic for Mucopolysaccharidosis, MPS-III-A. Last evaluated: 2015-09-21. Review status: criteria provided, single submitter. Criteria: ACGS Guidelines, 2013. Collection method: clinical testing. Allele origin: germline. Affected: yes. Study: VKGL Data-share Consensus.

Counsyl
Classification: Likely pathogenic for Mucopolysaccharidosis, MPS-III-A. Last evaluated: 2018-01-24. Review status: no assertion criteria provided. Collection method: clinical testing. Allele origin: unknown. Not counted in ClinVar's aggregate classification.

Diagnostic Laboratory, Department of Genetics, University Medical Center Groningen
Classification: Pathogenic for Mucopolysaccharidosis, MPS-III-A. Review status: no assertion criteria provided. Collection method: clinical testing. Allele origin: germline. Affected: yes. Study: VKGL Data-share Consensus. Not counted in ClinVar's aggregate classification.

Hong-Tao Li Lab, Institute of Brain Science and Brain-inspired Research, Shandong First Medical University & Shandong Academy of Medical Sciences China
Classification: Pathogenic for Mucopolysaccharidosis, MPS-III-A. Review status: no assertion criteria provided. Collection method: research. Allele origin: germline. Inheritance: Autosomal recessive inheritance. Affected: yes. Observed: 4 variant alleles, 4 homozygotes. Not counted in ClinVar's aggregate classification.
Comment: Observed in affected individuals from a Pakistani neurodevelopmental-disorder research cohort of 263 individuals. Classification assigned using the ACMG/AMP framework. Population-frequency evidence: gnomAD AF 1.606e-05.

Literature cited by the submitters: PubMed 22976768 (cited by 3 submitters); PubMed 30809705 (cited by 3 submitters); PubMed 38374194 (cited by Natera, Inc.); PubMed 9401012 (cited by 5 submitters); PubMed 9554748 (cited by 3 submitters); PubMed 11182930 (cited by 3 submitters); PubMed 21061399 (cited by Labcorp Genetics (formerly Invitae), Labcorp); PubMed 27590925 (cited by 3 submitters); PubMed 10727844 (cited by 3 submitters); PubMed 24875751 (cited by Labcorp Genetics (formerly Invitae), Labcorp); PubMed 21204211 (cited by Mayo Clinic Laboratories, Mayo Clinic and Counsyl); PubMed 22002444 (cited by Mayo Clinic Laboratories, Mayo Clinic and Counsyl); PubMed 25557439 (cited by Mayo Clinic Laboratories, Mayo Clinic and Counsyl); PubMed 15542396 (cited by Laboratory of Diagnosis and Therapy of Lysosomal Disorders, University of Padova).

NM_000199.5(SGSH):c.364G>A (p.Gly122Arg)

Gene: SGSH (N-sulfoglucosamine sulfohydrolase; minus strand). Cytogenetic location: 17q25.3.
Variant type: single nucleotide variant.
Coding change: c.364G>A on transcript NM_000199.5 (MANE Select); coding-DNA position 364, G replaced by A.
Protein change: p.Gly122Arg; replaces glycine 122 with arginine.
Molecular consequence: missense variant. On other transcripts: non-coding transcript variant (1).
Genome position (GRCh38, 1-based): chr17:80,214,757, C>T on the plus strand (G>A on the coding strand, the complement: SGSH is on the minus strand). VCF-style: chr17-80214757-C-T. GRCh37 (hg19) VCF-style: chr17-78188556-C-T.
Other names: p.Gly122Arg; c.364G>A, p.Gly122Arg (NM_001352921.3, NM_001352922.2); short protein forms G122R.
Identifiers: ClinVar variation 518269 (VCV000518269.47), dbSNP rs761607612, ClinGen allele CA8818041.